The following is an entry in ClinVar:

NM_000276.4(OCRL):c.676_677del (p.Ile226fs)

Gene: OCRL (OCRL inositol polyphosphate-5-phosphatase; plus strand). Cytogenetic location: Xq26.1.
Variant type: Microsatellite.
Coding change: c.676_677del on transcript NM_000276.4 (MANE Select); coding-DNA positions 676 to 677, 2 bases deleted (AT; older notation c.676_677delAT).
Protein change: p.Ile226fs; shifts the reading frame from isoleucine 226.
Molecular consequence: frameshift variant.
Genome position (GRCh38, 1-based): chrX:129,558,955-129,558,956, AT deleted; deleting any 2 consecutive bases within chrX:129,558,953-129,558,956 gives the same sequence; the c. name uses the placement nearest the transcript's 3' end. VCF-style (leftmost placement, unchanged base first): chrX-129558952-CAT-C. GRCh37 (hg19) VCF-style: chrX-128692929-CAT-C.
Other names: c.679_680del, p.Ile227fs (NM_001318784.2); c.676_677del, p.Ile226fs (NM_001587.4); short protein forms I226fs, I227fs.
Identifiers: ClinVar variation 638866 (VCV000638866.5), dbSNP rs1602782195, ClinGen allele CA915952383.

ClinVar aggregate classification (germline): Pathogenic. Review status: criteria provided, multiple submitters, no conflicts (2 of 4 stars). 2 submissions from 2 submitters: Pathogenic (2). Last evaluated 2026-02-18.

Conditions:
OCRL-related disorder. Also called: OCRL-related condition.
Lowe syndrome (OCRL). Also called: LOWE OCULOCEREBRORENAL SYNDROME; Oculocerebrorenal Syndrome; PHOSPHATIDYLINOSITOL 4,5-BISPHOSPHATE 5-PHOSPHATASE DEFICIENCY. Identifiers: Orphanet 534, MedGen C0028860, MONDO:0010645, OMIM 309000.

Submissions (2):

PreventionGenetics, part of Exact Sciences
Classification: Pathogenic for OCRL-related condition. Last evaluated: 2026-02-18. Review status: criteria provided, single submitter. Criteria: ACMG Guidelines, 2015. Collection method: clinical testing. Allele origin: germline.
Comment: The OCRL c.676_677delAT variant is predicted to result in a frameshift and premature protein termination (p.Ile226Profs*30). To our knowledge, this variant has not been reported in the literature or in a large population database (gnomAD), indicating this variant is rare. Frameshift variants in OCRL are expected to be pathogenic. This variant is interpreted as pathogenic.

Labcorp Genetics (formerly Invitae), Labcorp
Classification: Pathogenic for Lowe syndrome. Last evaluated: 2021-08-31. Review status: criteria provided, single submitter. Criteria: Invitae Variant Classification Sherloc (09022015). Collection method: clinical testing. Allele origin: germline.